The following is an entry in ClinVar:

NM_001199107.2(TBC1D24):c.561G>T (p.Val187=)

Gene: TBC1D24 (TBC1 domain family member 24; plus strand). Cytogenetic location: 16p13.3.
Variant type: single nucleotide variant.
Coding change: c.561G>T on transcript NM_001199107.2 (MANE Select); coding-DNA position 561, G replaced by T.
Protein change: p.Val187=; no amino-acid change (valine 187 retained).
Molecular consequence: synonymous variant.
Genome position (GRCh38, 1-based): chr16:2,496,709, G>T. VCF-style: chr16-2496709-G-T. GRCh37 (hg19) VCF-style: chr16-2546710-G-T.
Other names: c.561G>T, p.Val187= (NM_020705.3).
Identifiers: ClinVar variation 514629 (VCV000514629.1), dbSNP rs1555501246, ClinGen allele CA493366996.

ClinVar aggregate classification (germline): Likely benign (1 of 4 stars; one submission).

Allele frequency attached by ClinVar (database versions not stated): TOPMed below 0.00001.

Submission:

GeneDx
Classification: Likely benign. Last evaluated: 2018-01-11. Review status: criteria provided, single submitter. Criteria: GeneDx Variant Classification (06012015). Collection method: clinical testing. Allele origin: germline. Affected: yes.
Comment: This variant is considered likely benign or benign based on one or more of the following criteria: it is a conservative change, it occurs at a poorly conserved position in the protein, it is predicted to be benign by multiple in silico algorithms, and/or has population frequency not consistent with disease.